The following is an entry in ClinVar:

NM_000238.4(KCNH2):c.2399G>A (p.Gly800Glu)

Gene: KCNH2 (potassium voltage-gated channel subfamily H member 2; minus strand). Cytogenetic location: 7q36.1.
Variant type: single nucleotide variant.
Coding change: c.2399G>A on transcript NM_000238.4 (MANE Select); coding-DNA position 2399, G replaced by A.
Protein change: p.Gly800Glu; replaces glycine 800 with glutamic acid.
Molecular consequence: missense variant.
Genome position (GRCh38, 1-based): chr7:150,949,049, C>T on the plus strand (G>A on the coding strand, the complement: KCNH2 is on the minus strand). VCF-style: chr7-150949049-C-T. GRCh37 (hg19) VCF-style: chr7-150646137-C-T.
Other names: c.2399G>A (LRG_288t1); c.1379G>A, p.Gly460Glu (NM_172057.3); short protein forms G460E, G800E.
Identifiers: ClinVar variation 67394 (VCV000067394.1), dbSNP rs199473536, ClinGen allele CA006689.

ClinVar aggregate classification (germline): not provided (0 of 4 stars; one submission).

Conditions:
Familial long QT syndrome (RWS). Also called: Congenital long QT syndrome; Romano-Ward syndrome; VENTRICULAR FIBRILLATION WITH PROLONGED QT INTERVAL. Identifiers: Orphanet 768, MedGen C1141890, MONDO:0019171.

Submission:

Cardiovascular Biomedical Research Unit, Royal Brompton & Harefield NHS Foundation Trust
No classification provided. Condition: Familial long QT syndrome. Review status: no classification provided. Collection method: literature only. Allele origin: germline.
Comment: This variant has been reported as associated with Long QT syndrome in the following publications (PMID:19862833). This is a literature report, and does not necessarily reflect the clinical interpretation of the Imperial College / Royal Brompton Cardiovascular Genetics laboratory.

Literature cited by the submitters: PubMed 19862833; PubMed 22581653.